The following is an entry in ClinVar:

NM_000455.5(STK11):c.921-10G>A

Gene: STK11 (serine/threonine kinase 11; plus strand). Cytogenetic location: 19p13.3.
Variant type: single nucleotide variant.
Coding change: c.921-10G>A on transcript NM_000455.5 (MANE Select); 10 bases into the intron before coding-DNA position 921, G replaced by A.
Molecular consequence: intron variant.
Genome position (GRCh38, 1-based): chr19:1,222,975, G>A. VCF-style: chr19-1222975-G-A. GRCh37 (hg19) VCF-style: chr19-1222974-G-A.
Identifiers: ClinVar variation 139338 (VCV000139338.29), dbSNP rs183406870, ClinGen allele CA023358.

ClinVar aggregate classification (germline): Benign/Likely benign. Review status: criteria provided, multiple submitters, no conflicts (2 of 4 stars). 14 submissions from 14 submitters: Benign (7); Likely benign (4). 3 of the submissions do not count toward it. Last evaluated 2026-02-11.

Conditions:
STK11-related disorder. Also called: STK11-related condition.
Breast and/or ovarian cancer. Identifiers: MedGen CN221562.
Hereditary cancer-predisposing syndrome. Also called: Neoplastic Syndromes, Hereditary; Hereditary neoplastic syndrome; Tumor predisposition; Hereditary Cancer Syndrome. Identifiers: Orphanet 140162, MedGen C0027672, MeSH D009386, MONDO:0015356.
Peutz-Jeghers syndrome (PJS). Also called: POLYPOSIS, HAMARTOMATOUS INTESTINAL; POLYPS-AND-SPOTS SYNDROME; Peutz-Jeghers polyposis; Periorificial lentiginosis syndrome. Identifiers: Orphanet 2869, MedGen C0031269, MeSH D010580, MONDO:0008280, OMIM 175200.

Allele frequency attached by ClinVar (database versions not stated): gnomAD 0.00007 and 0.00006; 1000 Genomes Project 0.00040; gnomAD exomes 0.00005 and 0.00020; TOPMed 0.00014; 1000 Genomes Project 30x 0.00031; ExAC 0.00032.
gnomAD v4.1: 79 of 1,539,788 alleles (0.0051%); highest among the groups gnomAD compares: East Asian, 0.19%; no homozygotes.

Submissions (14):

Ambry Genetics
Classification: Benign for Hereditary cancer-predisposing syndrome. Last evaluated: 2026-02-11. Review status: criteria provided, single submitter. Criteria: Ambry Variant Classification Scheme 2023. Collection method: clinical testing. Allele origin: germline.

Labcorp Genetics (formerly Invitae), Labcorp
Classification: Benign for Peutz-Jeghers syndrome. Last evaluated: 2026-02-03. Review status: criteria provided, single submitter. Criteria: Invitae Variant Classification Sherloc (09022015). Collection method: clinical testing. Allele origin: germline.

Myriad Genetics, Inc.
Classification: Benign for Peutz-Jeghers syndrome. Last evaluated: 2025-02-10. Review status: criteria provided, single submitter. Criteria: Myriad Autosomal Dominant, Autosomal Recessive and X-Linked Classification Criteria (2023). Collection method: clinical testing. Allele origin: unknown.
Comment: This variant is considered benign. This variant is intronic and is not expected to impact mRNA splicing. This variant has been observed at a population frequency that is significantly greater than expected given the associated disease prevalence and penetrance.

Quest Diagnostics Nichols Institute San Juan Capistrano
Classification: Benign. Last evaluated: 2025-02-07. Review status: criteria provided, single submitter. Criteria: Quest Diagnostics criteria. Collection method: clinical testing. Allele origin: unknown.

All of Us Research Program, National Institutes of Health
Classification: Likely benign for Peutz-Jeghers syndrome. Last evaluated: 2023-11-27. Review status: criteria provided, single submitter. Criteria: ACMG Guidelines, 2015. Collection method: clinical testing. Allele origin: germline. Inheritance: Autosomal dominant inheritance. Observed: 12 variant alleles, 12 heterozygotes.
Comment: This study involves interpretation of variants in research participants for the purpose of population health screening. Participant phenotype was not available at the time of variant classification. Additional details can be found in publication PMID: 35346344, PMCID: PMC8962531

Genome-Nilou Lab
Classification: Likely benign for Peutz-Jeghers syndrome. Last evaluated: 2021-07-15. Review status: criteria provided, single submitter. Criteria: ACMG Guidelines, 2015. Collection method: clinical testing. Allele origin: germline. Affected: no.

Sema4
Classification: Benign for Hereditary cancer-predisposing syndrome. Last evaluated: 2021-07-13. Review status: criteria provided, single submitter. Criteria: Sema4 Curation Guidelines. Collection method: curation. Allele origin: germline.

CHEO Genetics Diagnostic Laboratory, Children's Hospital of Eastern Ontario
Classification: Likely benign for Breast and/or ovarian cancer. Last evaluated: 2021-06-30. Review status: criteria provided, single submitter. Criteria: ACMG Guidelines, 2015. Collection method: clinical testing. Allele origin: germline.

Women's Health and Genetics/Laboratory Corporation of America, LabCorp
Classification: Benign. Last evaluated: 2018-10-19. Review status: criteria provided, single submitter. Criteria: LabCorp Variant Classification Summary - May 2015. Collection method: clinical testing. Allele origin: germline.
Comment: Variant summary: STK11 c.921-10G>A alters a non-conserved nucleotide located close to a canonical splice site and therefore could affect mRNA splicing, leading to a significantly altered protein sequence. 5/5 computational tools predict no significant impact on normal splicing. However, these predictions have yet to be confirmed by functional studies. The variant allele was found at a frequency of 0.00018 in 178932 control chromosomes, predominantly at a frequency of 0.0026 within the East Asian subpopulation in the gnomAD database. The observed variant frequency within East Asian control individuals in the gnomAD database is approximately 166.4 fold of the estimated maximal expected allele frequency for a pathogenic variant in STK11 causing Hereditary Breast and Ovarian Cancer phenotype (1.6e-05), strongly suggesting that the variant is a benign polymorphism found primarily in populations of East Asian origin. To our knowledge, no occurrence of c.921-10G>A in individuals affected with Hereditary Breast and Ovarian Cancer and no experimental evidence demonstrating its impact on protein function have been reported. Co-occurrences with other pathogenic variant(s) have been reported (MSH6 c.3261delC), providing supporting evidence for a benign role. Four clinical diagnostic laboratories have submitted clinical-significance assessments for this variant to ClinVar after 2014 without evidence for independent evaluation. All laboratories classified the variant as benign/likely benign. Based on the evidence outlined above, the variant was classified as benign.

Color Diagnostics, LLC DBA Color Health
Classification: Likely benign for Hereditary cancer-predisposing syndrome. Last evaluated: 2015-04-14. Review status: criteria provided, single submitter. Criteria: ACMG Guidelines, 2015. Collection method: clinical testing. Allele origin: germline.

GeneDx
Classification: Benign. Last evaluated: 2014-05-15. Review status: criteria provided, single submitter. Criteria: GeneDx Variant Classification (06012015). Collection method: clinical testing. Allele origin: germline. Affected: yes.
Comment: This variant is considered likely benign or benign based on one or more of the following criteria: it is a conservative change, it occurs at a poorly conserved position in the protein, it is predicted to be benign by multiple in silico algorithms, and/or has population frequency not consistent with disease.

PreventionGenetics, part of Exact Sciences
Classification: Likely benign for STK11-related condition. Last evaluated: 2019-05-16. Review status: no assertion criteria provided. Collection method: clinical testing. Allele origin: germline. Not counted in ClinVar's aggregate classification.
Comment: This variant is classified as likely benign based on ACMG/AMP sequence variant interpretation guidelines (Richards et al. 2015 PMID: 25741868, with internal and published modifications).

Counsyl
Classification: Likely benign for Peutz-Jeghers syndrome. Last evaluated: 2015-12-13. Review status: no assertion criteria provided. Collection method: clinical testing. Allele origin: unknown. Not counted in ClinVar's aggregate classification.

Department of Pathology and Laboratory Medicine, Sinai Health System
Classification: Likely benign. Review status: no assertion criteria provided. Collection method: clinical testing. Allele origin: unknown. Affected: yes. Study: The Canadian Open Genetics Repository (COGR). Not counted in ClinVar's aggregate classification.
Comment: The STK11 c.921-10G>A variant was identified as a somatic change in 1 of 114 proband chromosomes (frequency: 0.009) from an individual with adenocarcinoma of the cervix (Kuragaki 2003). The variant was also identified in the following databases: dbSNP (ID: rs183406870) as "With Likely benign allele", ClinVar (3x likely benign, 2x benign), Clinvitae, and Cosmic (1x, confirmed somatic, in tumour of the cervix). The variant was not identified in MutDB, LOVD 3.0, Zhejiang Colon Cancer Database, or the Insight Hereditary Tumors Database. The variant was identified in control databases in 32 of 178932 chromosomes at a frequency of 0.0002 (Genome Aggregation Database Feb 27, 2017). Breakdown of the observations by population include East Asian in 32 of 12228 chromosomes (freq: 0.003), while the variant was not observed in the African, Other, Latino, European, Ashkenazi Jewish, Finnish, or South Asian populations. The c.921-10G>A variant is located in the 3' splice region but does not affect the invariant -1 and -2 positions. However, positions -3 and -5 to -12 are part of the splicing consensus sequence and variants involving these positions sometimes affect splicing. In silico or computational prediction software programs (SpliceSiteFinder, MaxEntScan, NNSPLICE, GeneSplicer, HumanSpliceFinder) do not predict a difference in splicing. In summary, based on the above information the clinical significance of this variant cannot be determined with certainty at this time although we would lean towards a more benign role for this variant. This variant is classified as likely benign.